The following is an entry in ClinVar:

NM_000214.3(JAG1):c.38C>G (p.Pro13Arg)

Gene: JAG1 (jagged canonical Notch ligand 1; minus strand). Cytogenetic location: 20p12.2.
Variant type: single nucleotide variant.
Coding change: c.38C>G on transcript NM_000214.3 (MANE Select); coding-DNA position 38, C replaced by G.
Protein change: p.Pro13Arg; replaces proline 13 with arginine.
Molecular consequence: missense variant.
Genome position (GRCh38, 1-based): chr20:10,673,493, G>C on the plus strand (C>G on the coding strand, the complement: JAG1 is on the minus strand). VCF-style: chr20-10673493-G-C. GRCh37 (hg19) VCF-style: chr20-10654141-G-C.
Other names: short protein forms P13R.
Identifiers: ClinVar variation 3573425 (VCV003573425.2).

Conditions:
Arteriohepatic dysplasia. Also called: Alagille Syndrome. Identifiers: Orphanet 52, MedGen C0085280, MeSH D016738, MONDO:0007318.

Submission:

Gilbert/Spinner Lab, Children's Hospital of Philadelphia
No classification provided (evidence only). Condition: Alagille syndrome. Review status: no classification provided. Collection method: research. Allele origin: not applicable. Functional consequence: functionally_abnormal.
ClinVar note: "not provided" was previously submitted as the classification for the variant. However, the classification appeared to be based only on an observation of functional data so it was converted to no classification on 2025-07-30.